The following is an entry in ClinVar:

ClinVar aggregate classification (germline): Likely pathogenic (1 of 4 stars; one submission).

Submission:

Mayo Clinic Laboratories, Mayo Clinic
Classification: Likely pathogenic. Last evaluated: 2025-06-16. Review status: criteria provided, single submitter. Criteria: ACMG Guidelines, 2015. Collection method: clinical testing. Allele origin: germline. Observed: 1 variant allele.
Comment: PM2_supporting, PVS1

NM_000037.4(ANK1):c.3328-1G>A

Gene: ANK1 (ankyrin 1; minus strand). Cytogenetic location: 8p11.21.
Variant type: single nucleotide variant.
Coding change: c.3328-1G>A on transcript NM_000037.4 (MANE Select); the canonical splice acceptor site of the intron before coding-DNA position 3328, G replaced by A.
Molecular consequence: splice acceptor variant.
Genome position (GRCh38, 1-based): chr8:41,694,103, C>T on the plus strand (G>A on the coding strand, the complement: ANK1 is on the minus strand). VCF-style: chr8-41694103-C-T. GRCh37 (hg19) VCF-style: chr8-41551621-C-T.
Other names: p.?; c.3451-1G>A (NM_001142446.2); c.3328-1G>A (NM_020477.3, NM_020475.3, NM_020476.3).
Identifiers: ClinVar variation 4541361 (VCV004541361.1).